The following is an entry in ClinVar:

NM_182914.3(SYNE2):c.1774G>C (p.Val592Leu)

Gene: SYNE2 (spectrin repeat containing nuclear envelope protein 2; plus strand). Cytogenetic location: 14q23.2.
Variant type: single nucleotide variant.
Coding change: c.1774G>C on transcript NM_182914.3 (MANE Select); coding-DNA position 1774, G replaced by C.
Protein change: p.Val592Leu; replaces valine 592 with leucine.
Molecular consequence: missense variant.
Genome position (GRCh38, 1-based): chr14:63,981,111, G>C. VCF-style: chr14-63981111-G-C. GRCh37 (hg19) VCF-style: chr14-64447829-G-C.
Other names: c.1774G>C, p.Val592Leu (NM_015180.6); short protein forms V592L.
Identifiers: ClinVar variation 1377705 (VCV001377705.1), dbSNP rs2153473289, ClinGen allele CA389960724.
Genomic context (GRCh38, chr14:63,981,111, plus strand): 5'-AAAAATATATATAATGTGAAGTCCACTCTACAAAAAGTGCTGGCATGTTGGGCTACTTAT[G>C]TGGAAAACCTTCGCTTACTAAGGGCTTGCTTTGAGGAGACAAAGAAGGAAGAAATTAAAG-3'
Protein context (NP_878918.2, residues 582-602): QKVLACWATY[Val592Leu]ENLRLLRACF

ClinVar aggregate classification (germline): Uncertain significance (1 of 4 stars; one submission).

Conditions:
Emery-Dreifuss muscular dystrophy 5, autosomal dominant (EDMD5). Also called: EMERY-DREIFUSS MUSCULAR DYSTROPHY 5. Identifiers: Orphanet 261, MedGen C2751805, MONDO:0013072, OMIM 612999.

Submission:

Labcorp Genetics (formerly Invitae), Labcorp
Classification: Uncertain significance for Emery-Dreifuss muscular dystrophy 5, autosomal dominant. Last evaluated: 2021-08-26. Review status: criteria provided, single submitter. Criteria: Invitae Variant Classification Sherloc (09022015). Collection method: clinical testing. Allele origin: germline.
Comment: This sequence change replaces valine with leucine at codon 592 of the SYNE2 protein (p.Val592Leu). The valine residue is weakly conserved and there is a small physicochemical difference between valine and leucine. This variant is not present in population databases (ExAC no frequency). This variant has not been reported in the literature in individuals affected with SYNE2-related conditions. Algorithms developed to predict the effect of missense changes on protein structure and function output the following: SIFT: "Tolerated"; PolyPhen-2: "Benign"; Align-GVGD: "Class C0". The leucine amino acid residue is found in multiple mammalian species, which suggests that this missense change does not adversely affect protein function. In summary, the available evidence is currently insufficient to determine the role of this variant in disease. Therefore, it has been classified as a Variant of Uncertain Significance.